The following is an entry in ClinVar:

ClinVar aggregate classification (germline): Uncertain significance (1 of 4 stars; one submission).

gnomAD v4.1: 3 of 1,209,345 alleles (0.00025%); highest among the groups gnomAD compares: African/African-American, 0.0052%; no homozygotes.

Submission:

GeneDx
Classification: Uncertain significance. Last evaluated: 2024-10-24. Review status: criteria provided, single submitter. Criteria: GeneDx Variant Classification Process June 2021. Collection method: clinical testing. Allele origin: germline. Affected: yes.
Comment: Not observed at significant frequency in large population cohorts (gnomAD); In silico analysis indicates that this missense variant does not alter protein structure/function; Has not been previously published as pathogenic or benign to our knowledge

NM_001368397.1(FRMPD4):c.1882C>G (p.Arg628Gly)

Gene: FRMPD4 (FERM and PDZ domain containing 4; plus strand). Cytogenetic location: Xp22.2.
Variant type: single nucleotide variant.
Coding change: c.1882C>G on transcript NM_001368397.1 (MANE Select); coding-DNA position 1882, C replaced by G.
Protein change: p.Arg628Gly; replaces arginine 628 with glycine.
Molecular consequence: missense variant.
Genome position (GRCh38, 1-based): chrX:12,716,341, C>G. VCF-style: chrX-12716341-C-G. GRCh37 (hg19) VCF-style: chrX-12734460-C-G.
Other names: c.1993C>G, p.Arg665Gly (NM_001368395.3, NM_001368398.3); c.1888C>G, p.Arg630Gly (NM_001368396.3); c.1873C>G, p.Arg625Gly (NM_001368399.3); c.1762C>G, p.Arg588Gly (NM_001368400.3); c.1858C>G, p.Arg620Gly (NM_001368401.1, NM_001368402.3); c.1882C>G, p.Arg628Gly (NM_014728.3); short protein forms R588G, R620G, R625G, R628G, R630G, R665G.
Identifiers: ClinVar variation 3893538 (VCV003893538.1).
Genomic context (GRCh38, chrX:12,716,341, plus strand): 5'-CAGCAGCTGAGCCAGCCCGGGGAGGCCCCCTGTGAGGCAGACTACAGAAGTCTAGCTCAG[C>G]GGTCCCTATTGACCCTCTCAGGACCAGAAACTCTGAAGAAAGCACAGGAATCTCCGAGAG-3'
Protein context (NP_001355326.1, residues 618-638): CEADYRSLAQ[Arg628Gly]SLLTLSGPET